The following is an entry in ClinVar:

ClinVar aggregate classification (germline): Likely benign. Review status: criteria provided, single submitter (1 of 4 stars). 2 submissions from 2 submitters: Likely benign (1). 1 of the submissions does not count toward it. Last evaluated 2022-11-25.

Conditions:
KIDINS220-related disorder. Also called: KIDINS220-related condition.

Allele frequency attached by ClinVar (database versions not stated): gnomAD 0.00001; TOPMed 0.00001; ExAC 0.00002; gnomAD exomes 0.00004; ESP Exome Variant Server 0.00008.
gnomAD v4.1: 63 of 1,614,018 alleles (0.0039%); highest among the groups gnomAD compares: Non-Finnish European, 0.0047%; no homozygotes.

Submissions (2):

Labcorp Genetics (formerly Invitae), Labcorp
Classification: Likely benign. Last evaluated: 2022-11-25. Review status: criteria provided, single submitter. Criteria: Invitae Variant Classification Sherloc (09022015). Collection method: clinical testing. Allele origin: germline.

PreventionGenetics, part of Exact Sciences
Classification: Likely benign for KIDINS220-related condition. Last evaluated: 2021-05-25. Review status: no assertion criteria provided. Collection method: clinical testing. Allele origin: germline. Not counted in ClinVar's aggregate classification.
Comment: This variant is classified as likely benign based on ACMG/AMP sequence variant interpretation guidelines (Richards et al. 2015 PMID: 25741868, with internal and published modifications).

NM_020738.4(KIDINS220):c.1371G>A (p.Gln457=)

Gene: KIDINS220 (kinase D interacting substrate 220; minus strand). Cytogenetic location: 2p25.1.
Variant type: single nucleotide variant.
Coding change: c.1371G>A on transcript NM_020738.4 (MANE Select); coding-DNA position 1371, G replaced by A.
Protein change: p.Gln457=; no amino-acid change (glutamine 457 retained).
Molecular consequence: synonymous variant. On other transcripts: non-coding transcript variant (2).
Genome position (GRCh38, 1-based): chr2:8,791,130, C>T on the plus strand (G>A on the coding strand, the complement: KIDINS220 is on the minus strand). VCF-style: chr2-8791130-C-T. GRCh37 (hg19) VCF-style: chr2-8931260-C-T.
Other names: c.1374G>A, p.Gln458= (NM_001348729.2, NM_001348731.2, NM_001348734.2 and 3 more transcripts); c.1371G>A, p.Gln457= (NM_001348732.2, NM_001348735.2, NM_001348738.2 and 3 more transcripts); c.1245G>A, p.Gln415= (NM_001348736.2); c.1371G>A (NM_020738.2).
Identifiers: ClinVar variation 2712705 (VCV002712705.4), dbSNP rs372815136, ClinGen allele CA1520206.
Genomic context (GRCh38, chr2:8,791,130, plus strand): 5'-CTTGAGTAAGAAAGATTTCCCACTTCCCCACTGTGCATATAACCCCACACAAATGGGTGG[C>T]TGCATGGTAGGCTCACTGAGAATATCTGCCAGGGCACTGCTATATAAATCATATCCAAGC-3'
Protein context (NP_065789.1, residues 447-467): LADILSEPTM[Gln457=]PPICVGLYAQ